The following is an entry in ClinVar:

ClinVar aggregate classification (germline): Uncertain significance (1 of 4 stars; one submission).

Conditions:
Cardiovascular phenotype. Identifiers: MedGen CN230736.

Allele frequency attached by ClinVar (database versions not stated): gnomAD 0.00001; gnomAD exomes 0.00001; TOPMed 0.00008.
gnomAD v4.1: 6 of 1,613,958 alleles (0.00037%); highest among the groups gnomAD compares: Admixed American, 0.0083%; no homozygotes.

Submission:

Ambry Genetics
Classification: Uncertain significance for Cardiovascular phenotype. Last evaluated: 2024-01-03. Review status: criteria provided, single submitter. Criteria: Ambry Variant Classification Scheme 2023. Collection method: clinical testing. Allele origin: germline.
Comment: The p.A749V variant (also known as c.2246C>T), located in coding exon 11 of the PKP2 gene, results from a C to T substitution at nucleotide position 2246. The alanine at codon 749 is replaced by valine, an amino acid with similar properties. This amino acid position is conserved. In addition, the in silico prediction for this alteration is inconclusive. Since supporting evidence is limited at this time, the clinical significance of this alteration remains unclear.

NM_001005242.3(PKP2):c.2114C>T (p.Ala705Val)

Gene: PKP2 (plakophilin 2; minus strand). Cytogenetic location: 12p11.21.
Variant type: single nucleotide variant.
Coding change: c.2114C>T on transcript NM_001005242.3 (MANE Select); coding-DNA position 2114, C replaced by T.
Protein change: p.Ala705Val; replaces alanine 705 with valine.
Molecular consequence: missense variant.
Genome position (GRCh38, 1-based): chr12:32,802,456, G>A on the plus strand (C>T on the coding strand, the complement: PKP2 is on the minus strand). VCF-style: chr12-32802456-G-A. GRCh37 (hg19) VCF-style: chr12-32955390-G-A.
Other names: c.2114C>T, p.Ala705Val (NM_001407155.1); c.1949C>T, p.Ala650Val (NM_001407156.1); c.1787C>T, p.Ala596Val (NM_001407158.1, NM_001407159.1, NM_001407160.1); c.2246C>T, p.Ala749Val (NM_004572.4); short protein forms A705V, A650V, A749V, A596V.
Identifiers: ClinVar variation 2214485 (VCV002214485.2), dbSNP rs1356970214, ClinGen allele CA384359519.